The following is an entry in ClinVar:

ClinVar aggregate classification (germline): Uncertain significance. Review status: criteria provided, multiple submitters, no conflicts (2 of 4 stars). 3 submissions from 3 submitters: Uncertain significance (3). Last evaluated 2025-10-23.

Conditions:
Familial cold autoinflammatory syndrome 2 (FCAS2). Identifiers: Orphanet 247868, MedGen C2673198, MONDO:0012724, OMIM 611762.

Allele frequency attached by ClinVar (database versions not stated): TOPMed 0.00002.
gnomAD v4.1: 13 of 1,614,016 alleles (0.00081%); highest among the groups gnomAD compares: East Asian, 0.022%; no homozygotes.

Submissions (3):

GeneDx
Classification: Uncertain significance. Last evaluated: 2025-10-23. Review status: criteria provided, single submitter. Criteria: GeneDx Variant Classification Process June 2021. Collection method: clinical testing. Allele origin: germline.
Comment: Not observed at significant frequency in large population cohorts (gnomAD); In silico analysis supports that this missense variant has a deleterious effect on protein structure/function; Has not been previously published as pathogenic or benign to our knowledge

Labcorp Genetics (formerly Invitae), Labcorp
Classification: Uncertain significance for Familial cold autoinflammatory syndrome 2. Last evaluated: 2023-01-20. Review status: criteria provided, single submitter. Criteria: Invitae Variant Classification Sherloc (09022015). Collection method: clinical testing. Allele origin: germline.
Comment: This sequence change replaces arginine, which is basic and polar, with glycine, which is neutral and non-polar, at codon 343 of the NLRP12 protein (p.Arg343Gly). In summary, the available evidence is currently insufficient to determine the role of this variant in disease. Therefore, it has been classified as a Variant of Uncertain Significance. Advanced modeling of protein sequence and biophysical properties (such as structural, functional, and spatial information, amino acid conservation, physicochemical variation, residue mobility, and thermodynamic stability) performed at Invitae indicates that this missense variant is expected to disrupt NLRP12 protein function. ClinVar contains an entry for this variant (Variation ID: 893352). This variant has not been reported in the literature in individuals affected with NLRP12-related conditions. This variant is not present in population databases (gnomAD no frequency).

Illumina Laboratory Services, Illumina
Classification: Uncertain significance for Familial cold autoinflammatory syndrome 2. Last evaluated: 2018-01-13. Review status: criteria provided, single submitter. Criteria: ICSL Variant Classification Criteria 13 December 2019. Collection method: clinical testing. Allele origin: germline.

NM_144687.4(NLRP12):c.1027C>G (p.Arg343Gly)

Gene: NLRP12 (NLR family pyrin domain containing 12; minus strand). Cytogenetic location: 19q13.42.
Variant type: single nucleotide variant.
Coding change: c.1027C>G on transcript NM_144687.4 (MANE Select); coding-DNA position 1027, C replaced by G.
Protein change: p.Arg343Gly; replaces arginine 343 with glycine.
Molecular consequence: missense variant.
Genome position (GRCh38, 1-based): chr19:53,810,632, G>C on the plus strand (C>G on the coding strand, the complement: NLRP12 is on the minus strand). VCF-style: chr19-53810632-G-C. GRCh37 (hg19) VCF-style: chr19-54313886-G-C.
Other names: c.1027C>G (NM_144687.2); c.1027C>G, p.Arg343Gly (NM_001277126.2, NM_001277129.1); short protein forms R343G.
Identifiers: ClinVar variation 893352 (VCV000893352.9), dbSNP rs112159191, ClinGen allele CA407415135.